The following is an entry in ClinVar:

NM_003906.5(MCM3AP):c.698A>G (p.Glu233Gly)

Gene: MCM3AP (minichromosome maintenance complex component 3 associated protein; minus strand). Cytogenetic location: 21q22.3.
Variant type: single nucleotide variant.
Coding change: c.698A>G on transcript NM_003906.5 (MANE Select); coding-DNA position 698, A replaced by G.
Protein change: p.Glu233Gly; replaces glutamic acid 233 with glycine.
Molecular consequence: missense variant.
Genome position (GRCh38, 1-based): chr21:46,284,589, T>C on the plus strand (A>G on the coding strand, the complement: MCM3AP is on the minus strand). VCF-style: chr21-46284589-T-C. GRCh37 (hg19) VCF-style: chr21-47704503-T-C.
Other names: short protein forms E233G.
Identifiers: ClinVar variation 2168062 (VCV002168062.2), dbSNP rs201877749, ClinGen allele CA10077290.

ClinVar aggregate classification (germline): Uncertain significance. Review status: criteria provided, multiple submitters, no conflicts (2 of 4 stars). 2 submissions from 2 submitters: Uncertain significance (2). Last evaluated 2026-06-09.

Allele frequency attached by ClinVar (database versions not stated): TOPMed 0.00003; gnomAD 0.00001; gnomAD exomes 0.00003; ExAC 0.00002.
gnomAD v4.1: 53 of 1,614,102 alleles (0.0033%); highest among the groups gnomAD compares: Admixed American, 0.0067%; no homozygotes.

Submissions (2):

Women's Health and Genetics/Laboratory Corporation of America, LabCorp
Classification: Uncertain significance. Last evaluated: 2026-06-09. Review status: criteria provided, single submitter. Criteria: LabCorp Variant Classification Summary - May 2015. Collection method: clinical testing. Allele origin: germline.
Comment: Variant summary: MCM3AP c.698A>G (p.Glu233Gly) results in a non-conservative amino acid change in the encoded protein sequence. Algorithms developed to predict the effect of missense changes on protein structure and function are either unavailable or do not agree on the potential impact of this missense change. The variant allele was found at a frequency of 2e-05 in 251354 control chromosomes. The available data on variant occurrences in the general population are insufficient to allow any conclusion about variant significance. To our knowledge, no occurrence of c.698A>G in individuals affected with MCM3AP-related conditions and no experimental evidence demonstrating its impact on protein function have been reported. ClinVar contains an entry for this variant (Variation ID: 2168062). Based on the evidence outlined above, the variant was classified as uncertain significance.

Labcorp Genetics (formerly Invitae), Labcorp
Classification: Uncertain significance. Last evaluated: 2022-07-09. Review status: criteria provided, single submitter. Criteria: Invitae Variant Classification Sherloc (09022015). Collection method: clinical testing. Allele origin: germline.
Comment: This sequence change replaces glutamic acid, which is acidic and polar, with glycine, which is neutral and non-polar, at codon 233 of the MCM3AP protein (p.Glu233Gly). This variant is present in population databases (rs201877749, gnomAD 0.006%). This variant has not been reported in the literature in individuals affected with MCM3AP-related conditions. Algorithms developed to predict the effect of missense changes on protein structure and function are either unavailable or do not agree on the potential impact of this missense change (SIFT: "Tolerated"; PolyPhen-2: "Probably Damaging"; Align-GVGD: "Class C0"). In summary, the available evidence is currently insufficient to determine the role of this variant in disease. Therefore, it has been classified as a Variant of Uncertain Significance.